The following is an entry in ClinVar:

NM_003172.4(SURF1):c.226T>G (p.Leu76Val)

Gene: SURF1 (SURF1 cytochrome c oxidase assembly factor; minus strand). Cytogenetic location: 9q34.2.
Variant type: single nucleotide variant.
Coding change: c.226T>G on transcript NM_003172.4 (MANE Select); coding-DNA position 226, T replaced by G.
Protein change: p.Leu76Val; replaces leucine 76 with valine.
Molecular consequence: missense variant. On other transcripts: 5 prime UTR variant (1).
Genome position (GRCh38, 1-based): chr9:133,354,838, A>C on the plus strand (T>G on the coding strand, the complement: SURF1 is on the minus strand). VCF-style: chr9-133354838-A-C. GRCh37 (hg19) VCF-style: chr9-136221693-A-C.
Other names: p.Leu76Val; c.-102T>G (NM_001280787.1); c.226T>G (NM_003172.2); short protein forms L76V.
Identifiers: ClinVar variation 1980066 (VCV001980066.3), dbSNP rs782036327, ClinGen allele CA200833477.

ClinVar aggregate classification (germline): Uncertain significance. Review status: criteria provided, multiple submitters, no conflicts (2 of 4 stars). 3 submissions from 3 submitters: Uncertain significance (3). Last evaluated 2025-09-05.

Conditions:
Inborn genetic diseases. Identifiers: MedGen C0950123, MeSH D030342.
Leigh syndrome (NULS). Also called: Leigh Disease; Subacute necrotizing encephalopathy; Necrotizing encephalopathy infantile subacute of Leigh; LEIGH SYNDROME, NUCLEAR; Leigh's necrotizing encephalopathy; Leigh's disease. Identifiers: Orphanet 506, MedGen C2931891, MONDO:0009723, OMIM 256000.

Submissions (3):

Mayo Clinic Laboratories, Mayo Clinic
Classification: Uncertain significance. Last evaluated: 2025-09-05. Review status: criteria provided, single submitter. Criteria: ACMG Guidelines, 2015. Collection method: clinical testing. Allele origin: germline. Observed: 1 variant allele.
Comment: PP3_moderate, PM2_supporting

Ambry Genetics
Classification: Uncertain significance for Inborn genetic diseases. Last evaluated: 2024-12-07. Review status: criteria provided, single submitter. Criteria: Ambry Variant Classification Scheme 2023. Collection method: clinical testing. Allele origin: germline.

Labcorp Genetics (formerly Invitae), Labcorp
Classification: Uncertain significance for Leigh syndrome. Last evaluated: 2022-11-01. Review status: criteria provided, single submitter. Criteria: Invitae Variant Classification Sherloc (09022015). Collection method: clinical testing. Allele origin: germline.
Comment: This sequence change replaces leucine, which is neutral and non-polar, with valine, which is neutral and non-polar, at codon 76 of the SURF1 protein (p.Leu76Val). This variant is present in population databases (rs782036327, gnomAD 0.02%). This variant has not been reported in the literature in individuals affected with SURF1-related conditions. Advanced modeling of protein sequence and biophysical properties (such as structural, functional, and spatial information, amino acid conservation, physicochemical variation, residue mobility, and thermodynamic stability) performed at Invitae indicates that this missense variant is expected to disrupt SURF1 protein function. In summary, the available evidence is currently insufficient to determine the role of this variant in disease. Therefore, it has been classified as a Variant of Uncertain Significance.